The following is an entry in ClinVar:

NM_001563.4(IMPG1):c.1270G>A (p.Gly424Arg)

Gene: IMPG1 (interphotoreceptor matrix proteoglycan 1; minus strand). Cytogenetic location: 6q14.1.
Variant type: single nucleotide variant.
Coding change: c.1270G>A on transcript NM_001563.4 (MANE Select); coding-DNA position 1270, G replaced by A.
Protein change: p.Gly424Arg; replaces glycine 424 with arginine.
Molecular consequence: missense variant.
Genome position (GRCh38, 1-based): chr6:76,002,939, C>T on the plus strand (G>A on the coding strand, the complement: IMPG1 is on the minus strand). VCF-style: chr6-76002939-C-T. GRCh37 (hg19) VCF-style: chr6-76712656-C-T.
Other names: c.1036G>A, p.Gly346Arg (NM_001282368.2); c.1270G>A (NM_001563.3); short protein forms G346R, G424R.
Identifiers: ClinVar variation 3614006 (VCV003614006.3).

ClinVar aggregate classification (germline): Uncertain significance. Review status: criteria provided, multiple submitters, no conflicts (2 of 4 stars). 2 submissions from 2 submitters: Uncertain significance (2). Last evaluated 2025-09-26.

Conditions:
IMPG1-related disorder. Also called: IMPG1-related condition.

gnomAD v4.1: 24 of 1,613,338 alleles (0.0015%); highest among the groups gnomAD compares: Middle Eastern, 0.05%; no homozygotes.

Submissions (2):

Labcorp Genetics (formerly Invitae), Labcorp
Classification: Uncertain significance. Last evaluated: 2025-09-26. Review status: criteria provided, single submitter. Criteria: Invitae Variant Classification Sherloc (09022015). Collection method: clinical testing. Allele origin: germline.
Comment: This sequence change replaces glycine, which is neutral and non-polar, with arginine, which is basic and polar, at codon 424 of the IMPG1 protein (p.Gly424Arg). This variant is present in population databases (rs750131334, gnomAD 0.01%). This variant has not been reported in the literature in individuals affected with IMPG1-related conditions. ClinVar contains an entry for this variant (Variation ID: 3614006). An algorithm developed to predict the effect of missense changes on protein structure and function outputs the following: PolyPhen-2: "Benign". The arginine amino acid residue is found in multiple mammalian species, which suggests that this missense change does not adversely affect protein function. In summary, the available evidence is currently insufficient to determine the role of this variant in disease. Therefore, it has been classified as a Variant of Uncertain Significance.

PreventionGenetics, part of Exact Sciences
Classification: Uncertain significance for IMPG1-related condition. Last evaluated: 2024-11-03. Review status: criteria provided, single submitter. Criteria: ACMG Guidelines, 2015. Collection method: clinical testing. Allele origin: germline.
Comment: The IMPG1 c.1270G>A variant is predicted to result in the amino acid substitution p.Gly424Arg. To our knowledge, this variant has not been reported in the literature. This variant is reported in 0.0099% of alleles in individuals of Ashkenazi Jewish descent in gnomAD. At this time, the clinical significance of this variant is uncertain due to the absence of conclusive functional and genetic evidence.